The following is an entry in ClinVar:

NM_001297.5(CNGB1):c.2692G>A (p.Asp898Asn)

Gene: CNGB1 (cyclic nucleotide gated channel subunit beta 1; minus strand). Cytogenetic location: 16q21.
Variant type: single nucleotide variant.
Coding change: c.2692G>A on transcript NM_001297.5 (MANE Select); coding-DNA position 2692, G replaced by A.
Protein change: p.Asp898Asn; replaces aspartic acid 898 with asparagine.
Molecular consequence: missense variant.
Genome position (GRCh38, 1-based): chr16:57,903,924, C>T on the plus strand (G>A on the coding strand, the complement: CNGB1 is on the minus strand). VCF-style: chr16-57903924-C-T. GRCh37 (hg19) VCF-style: chr16-57937828-C-T.
Other names: c.2674G>A, p.Asp892Asn (NM_001286130.2); short protein forms D892N, D898N.
Identifiers: ClinVar variation 1008884 (VCV001008884.10), dbSNP rs1567369373, ClinGen allele CA396057920.
Genomic context (GRCh38, chr16:57,903,924, plus strand): 5'-TGACGCGGTTCTGCACGGACTTGGGGATCTTGTAGAAATTCATGTACTTCACCGTGCTGT[C>T]CATGCAGCTGCGGTAGTAGGTCTGTCCGGCGGTGGCGGCCCCTACCACATCTCTCATCTG-3'
Protein context (NP_001288.3, residues 888-908): AGQTYYRSCM[Asp898Asn]STVKYMNFYK

ClinVar aggregate classification (germline): Uncertain significance (1 of 4 stars; one submission).

Allele frequency attached by ClinVar (database versions not stated): gnomAD exomes below 0.00001.
gnomAD v4.1: 1 of 1,614,120 alleles (0.000062%); no homozygotes.

Submission:

Labcorp Genetics (formerly Invitae), Labcorp
Classification: Uncertain significance. Last evaluated: 2023-08-10. Review status: criteria provided, single submitter. Criteria: Invitae Variant Classification Sherloc (09022015). Collection method: clinical testing. Allele origin: germline.
Comment: This sequence change replaces aspartic acid, which is acidic and polar, with asparagine, which is neutral and polar, at codon 898 of the CNGB1 protein (p.Asp898Asn). This variant is not present in population databases (gnomAD no frequency). This variant has not been reported in the literature in individuals affected with CNGB1-related conditions. ClinVar contains an entry for this variant (Variation ID: 1008884). Advanced modeling of protein sequence and biophysical properties (such as structural, functional, and spatial information, amino acid conservation, physicochemical variation, residue mobility, and thermodynamic stability) performed at Invitae indicates that this missense variant is expected to disrupt CNGB1 protein function. In summary, the available evidence is currently insufficient to determine the role of this variant in disease. Therefore, it has been classified as a Variant of Uncertain Significance.